The following is an entry in ClinVar:

NM_003801.4(GPAA1):c.617-3C>T

Gene: GPAA1 (glycosylphosphatidylinositol anchor attachment 1; plus strand). Cytogenetic location: 8q24.3.
Variant type: single nucleotide variant.
Coding change: c.617-3C>T on transcript NM_003801.4 (MANE Select); 3 bases into the intron before coding-DNA position 617, C replaced by T.
Molecular consequence: intron variant.
Genome position (GRCh38, 1-based): chr8:144,084,131, C>T. VCF-style: chr8-144084131-C-T. GRCh37 (hg19) VCF-style: chr8-145139034-C-T.
Identifiers: ClinVar variation 1379076 (VCV001379076.3), dbSNP rs781815628, ClinGen allele CA4932888.

ClinVar aggregate classification (germline): Uncertain significance (1 of 4 stars; one submission).

Allele frequency attached by ClinVar (database versions not stated): ExAC 0.00001; gnomAD exomes 0.00002 and 0.00009; gnomAD 0.00006 and 0.00007; TOPMed 0.00006.
gnomAD v4.1: 135 of 1,613,380 alleles (0.0084%); highest among the groups gnomAD compares: Non-Finnish European, 0.011%; no homozygotes.

Submission:

Labcorp Genetics (formerly Invitae), Labcorp
Classification: Uncertain significance. Last evaluated: 2022-08-10. Review status: criteria provided, single submitter. Criteria: Invitae Variant Classification Sherloc (09022015). Collection method: clinical testing. Allele origin: germline.
Comment: This sequence change falls in intron 5 of the GPAA1 gene. It does not directly change the encoded amino acid sequence of the GPAA1 protein. It affects a nucleotide within the consensus splice site. This variant is present in population databases (rs781815628, gnomAD 0.006%). This variant has not been reported in the literature in individuals affected with GPAA1-related conditions. ClinVar contains an entry for this variant (Variation ID: 1379076). Variants that disrupt the consensus splice site are a relatively common cause of aberrant splicing (PMID: 17576681, 9536098). Algorithms developed to predict the effect of sequence changes on RNA splicing suggest that this variant may disrupt the consensus splice site. In summary, the available evidence is currently insufficient to determine the role of this variant in disease. Therefore, it has been classified as a Variant of Uncertain Significance.

Literature cited by the submitters: PubMed 17576681; PubMed 9536098.